The following is an entry in ClinVar:

ClinVar aggregate classification (germline): Likely benign (1 of 4 stars; one submission).

Conditions:
DYNC1H1-related disorder. Also called: DYNC1H1-related disorders; DYNC1H1-related condition. Identifiers: MedGen CN381529.

gnomAD v4.1: 32 of 1,567,576 alleles (0.002%); highest among the groups gnomAD compares: Admixed American, 0.019%; no homozygotes.

Submission:

PreventionGenetics, part of Exact Sciences
Classification: Likely benign for DYNC1H1-related condition. Last evaluated: 2026-01-07. Review status: criteria provided, single submitter. Criteria: ACMG Guidelines, 2015. Collection method: clinical testing. Allele origin: germline.
Comment: This variant is classified as likely benign based on ACMG/AMP sequence variant interpretation guidelines (Richards et al. 2015 PMID: 25741868, with internal and published modifications).

NM_001376.5(DYNC1H1):c.7473+40G>A

Gene: DYNC1H1 (dynein cytoplasmic 1 heavy chain 1; plus strand). Cytogenetic location: 14q32.31.
Variant type: single nucleotide variant.
Coding change: c.7473+40G>A on transcript NM_001376.5 (MANE Select); 40 bases into the intron after coding-DNA position 7473, G replaced by A.
Molecular consequence: intron variant.
Genome position (GRCh38, 1-based): chr14:102,016,126, G>A. VCF-style: chr14-102016126-G-A. GRCh37 (hg19) VCF-style: chr14-102482463-G-A.
Identifiers: ClinVar variation 4981355 (VCV004981355.1).